The following is an entry in ClinVar:

ClinVar aggregate classification (germline): Uncertain significance (1 of 4 stars; one submission).

gnomAD v4.1: 2 of 1,267,754 alleles (0.00016%); highest among the groups gnomAD compares: Non-Finnish European, 0.0002%; no homozygotes.

Submission:

Greenwood Genetic Center Diagnostic Laboratories, Greenwood Genetic Center
Classification: Uncertain significance. Last evaluated: 2025-12-09. Review status: criteria provided, single submitter. Criteria: ACMG Guidelines, 2015. Collection method: clinical testing. Allele origin: germline. Affected: yes.
Comment: PM2, BP4

NM_006236.3(POU3F3):c.707C>T (p.Ala236Val)

Gene: POU3F3 (POU class 3 homeobox 3; plus strand). Cytogenetic location: 2q12.1.
Variant type: single nucleotide variant.
Coding change: c.707C>T on transcript NM_006236.3 (MANE Select); coding-DNA position 707, C replaced by T.
Protein change: p.Ala236Val; replaces alanine 236 with valine.
Molecular consequence: missense variant.
Genome position (GRCh38, 1-based): chr2:104,856,217, C>T. VCF-style: chr2-104856217-C-T. GRCh37 (hg19) VCF-style: chr2-105472675-C-T.
Other names: c.707C>T, p.Ala236Val (NM_001433704.1); short protein forms A236V.
Identifiers: ClinVar variation 4845520 (VCV004845520.1).
Genomic context (GRCh38, chr2:104,856,217, plus strand): 5'-CGCCGCAGAGTCTGCTCTACTCGCAGCCCGGAGGCTTCACGGTGAACGGCATGCTGAGCG[C>T]GCCACCGGGGCCCGGCGGCGGCGGCGGCGGCGCGGGCGGTGGAGCCCAGAGCTTGGTGCA-3'
Protein context (NP_006227.1, residues 226-246): GGFTVNGMLS[Ala236Val]PPGPGGGGGG